The following is an entry in ClinVar:

ClinVar aggregate classification (germline): Uncertain significance (1 of 4 stars; one submission).

Conditions:
Werner syndrome (WRN). Identifiers: Orphanet 902, MedGen C0043119, MONDO:0010196, OMIM 277700.

Allele frequency attached by ClinVar (database versions not stated): gnomAD 0.00001; TOPMed 0.00001.
gnomAD v4.1: 1 of 1,613,600 alleles (0.000062%); highest among the groups gnomAD compares: Non-Finnish European, 0.000085%; no homozygotes.

Submission:

Labcorp Genetics (formerly Invitae), Labcorp
Classification: Uncertain significance for Werner syndrome. Last evaluated: 2024-02-22. Review status: criteria provided, single submitter. Criteria: Invitae Variant Classification Sherloc (09022015). Collection method: clinical testing. Allele origin: germline.
Comment: This sequence change replaces tryptophan, which is neutral and slightly polar, with cysteine, which is neutral and slightly polar, at codon 145 of the WRN protein (p.Trp145Cys). This variant is not present in population databases (gnomAD no frequency). This variant has not been reported in the literature in individuals affected with WRN-related conditions. ClinVar contains an entry for this variant (Variation ID: 1024718). An algorithm developed to predict the effect of missense changes on protein structure and function (PolyPhen-2) suggests that this variant is likely to be disruptive. In summary, the available evidence is currently insufficient to determine the role of this variant in disease. Therefore, it has been classified as a Variant of Uncertain Significance.

NM_000553.6(WRN):c.435G>T (p.Trp145Cys)

Gene: WRN (WRN RecQ like helicase; plus strand). Cytogenetic location: 8p12.
Variant type: single nucleotide variant.
Coding change: c.435G>T on transcript NM_000553.6 (MANE Select); coding-DNA position 435, G replaced by T.
Protein change: p.Trp145Cys; replaces tryptophan 145 with cysteine.
Molecular consequence: missense variant.
Genome position (GRCh38, 1-based): chr8:31,064,994, G>T. VCF-style: chr8-31064994-G-T. GRCh37 (hg19) VCF-style: chr8-30922510-G-T.
Other names: short protein forms W145C.
Identifiers: ClinVar variation 1024718 (VCV001024718.5), dbSNP rs1323704066, ClinGen allele CA370914838.